The following continues an entry in ClinVar:

NM_000260.4(MYO7A):c.3503G>A (p.Arg1168Gln)

Gene: MYO7A. ClinVar aggregate classification (germline): Pathogenic. Pathogenic (1).

Submissions 11 to 13 of 13:

Laboratory for Molecular Medicine, Mass General Brigham Personalized Medicine
Classification: Uncertain significance. Last evaluated: 2014-01-03. Review status: criteria provided, single submitter. Criteria: LMM Criteria. Collection method: clinical testing. Allele origin: germline. Observed: 1 variant allele. Not counted in ClinVar's aggregate classification.
Comment: Variant classified as Uncertain Significance - Favor Pathogenic. The 3503G>A (Ar g1168Gln) variant in MYO7A has not been previously reported in individuals with hearing loss. Data from large population studies is insufficient to assess the f requency of this variant. This variant is located in the last base of exon 27 in the major transcript (NM_000260.3) of MYO7A, which is part of the conserved 5? splice region of intron 27. Computational tools suggest an impact to splicing; h owever, this information is not predictive enough to determine pathogenicity. Ho wever, a different variant at the same nucleotide (3503G>C, Arg1168Pro) has been previously described in an individual with Usher syndrome who was compound hete rozygous for a second pathogenic variant (Jaijo 2006). Functional studies demons trated that the 3503G>C variant led to skipping of exon 27 (Le Guedard-Mereuze 2 010), suggesting that variants that alter the c.3503G nucleotide cause abnormal splicing. In summary, the clinical significance of this variant cannot be determ ined with certainty; however based upon its location within the splice consensus sequence and its predicted impact on splicing, we would lean towards a more lik ely pathogenic role.

PreventionGenetics, part of Exact Sciences
Classification: Pathogenic for MYO7A-related condition. Last evaluated: 2024-05-10. Review status: no assertion criteria provided. Collection method: clinical testing. Allele origin: germline. Not counted in ClinVar's aggregate classification.
Comment: The MYO7A c.3503G>A variant is predicted to result in the amino acid substitution p.Arg1168Gln. This variant was reported along with a second causative variant in multiple individuals with Usher syndrome or retinal degeneration (Aparisi et al. 2014. PubMed ID: 25404053; Table S1, Bonnet et al. 2016. PubMed ID: 27460420; Neuhaus et al. 2017. PubMed ID: 28944237; Table S1, Khateb et al. 2020. PubMed ID: 31479088; Table S2, Weisschuh et al. 2020. PubMed ID: 32531858). This variant is reported in 0.0037% of alleles in individuals of South Asian descent in gnomAD and is interpreted by the ClinGen Hearing Loss Variant Curation Expert Panel as pathogenic. This variant is interpreted as pathogenic

Counsyl
Classification: Likely pathogenic for Usher syndrome type 1; Autosomal recessive nonsyndromic hearing loss 2. Last evaluated: 2017-08-03. Review status: no assertion criteria provided. Collection method: clinical testing. Allele origin: unknown. Not counted in ClinVar's aggregate classification.

Literature cited by the submitters: PubMed 28944237 (cited by 5 submitters); PubMed 27460420 (cited by 4 submitters); PubMed 25404053 (cited by 6 submitters); PubMed 30459346 (cited by Natera, Inc. and Women's Health and Genetics/Laboratory Corporation of America, LabCorp); PubMed 27957503 (cited by 3 submitters); PubMed 17576681 (cited by Labcorp Genetics (formerly Invitae), Labcorp); PubMed 9536098 (cited by Labcorp Genetics (formerly Invitae), Labcorp); PubMed 32531858 (cited by Women's Health and Genetics/Laboratory Corporation of America, LabCorp and Institute of Human Genetics, Univ. Regensburg, Univ. Regensburg); PubMed 31479088 (cited by Institute of Human Genetics, Univ. Regensburg, Univ. Regensburg); PubMed 31964843 (cited by Institute of Human Genetics, Univ. Regensburg, Univ. Regensburg); PubMed 34948090 (cited by Institute of Human Genetics, Univ. Regensburg, Univ. Regensburg); PubMed 16470552 (cited by Ambry Genetics and Laboratory for Molecular Medicine, Mass General Brigham Personalized Medicine); PubMed 20052763 (cited by Laboratory for Molecular Medicine, Mass General Brigham Personalized Medicine).